The following is an entry in ClinVar:

ClinVar aggregate classification (germline): Likely benign. Review status: criteria provided, multiple submitters, no conflicts (2 of 4 stars). 2 submissions from 2 submitters: Likely benign (2). Last evaluated 2024-08-20.

Conditions:
Glanzmann thrombasthenia. Also called: BLEEDING DISORDER, PLATELET-TYPE, 2; THROMBASTHENIA OF GLANZMANN AND NAEGELI; Thrombasthenia; Glanzmann's thrombasthenia; PLATELET GLYCOPROTEIN IIb-IIIa DEFICIENCY. Identifiers: Orphanet 849, MedGen C0040015, MONDO:0100326.

Allele frequency attached by ClinVar (database versions not stated): gnomAD exomes below 0.00001; ExAC 0.00001; TOPMed 0.00002.
gnomAD v4.1: 6 of 1,613,920 alleles (0.00037%); highest among the groups gnomAD compares: African/African-American, 0.004%; no homozygotes.

Submissions (2):

Women's Health and Genetics/Laboratory Corporation of America, LabCorp
Classification: Likely benign. Last evaluated: 2024-08-20. Review status: criteria provided, single submitter. Criteria: LabCorp Variant Classification Summary - May 2015. Collection method: clinical testing. Allele origin: germline.
Comment: Variant summary: ITGA2B c.1632G>A alters a conserved nucleotide resulting in a synonymous change. Consensus agreement among computation tools predict no significant impact on normal splicing. However, these predictions have yet to be confirmed by functional studies. The variant allele was found at a frequency of 4e-06 in 248442 control chromosomes. The available data on variant occurrences in the general population are insufficient to allow any conclusion about variant significance. To our knowledge, no occurrence of c.1632G>A in individuals affected with ITGA2B-Related Disorders and no experimental evidence demonstrating its impact on protein function have been reported. ClinVar contains an entry for this variant (Variation ID: 2737117). Based on the evidence outlined above, the variant was classified as likely benign.

Labcorp Genetics (formerly Invitae), Labcorp
Classification: Likely benign for Glanzmann thrombasthenia. Last evaluated: 2024-01-18. Review status: criteria provided, single submitter. Criteria: Invitae Variant Classification Sherloc (09022015). Collection method: clinical testing. Allele origin: germline.

NM_000419.5(ITGA2B):c.1632G>A (p.Gln544=)

Gene: ITGA2B (integrin subunit alpha 2b; minus strand). Cytogenetic location: 17q21.31.
Variant type: single nucleotide variant.
Coding change: c.1632G>A on transcript NM_000419.5 (MANE Select); coding-DNA position 1632, G replaced by A.
Protein change: p.Gln544=; no amino-acid change (glutamine 544 retained).
Molecular consequence: synonymous variant.
Genome position (GRCh38, 1-based): chr17:44,380,122, C>T on the plus strand (G>A on the coding strand, the complement: ITGA2B is on the minus strand). VCF-style: chr17-44380122-C-T. GRCh37 (hg19) VCF-style: chr17-42457490-C-T.
Identifiers: ClinVar variation 2737117 (VCV002737117.4), dbSNP rs752677499, ClinGen allele CA8602996.